The following is an entry in ClinVar:

ClinVar aggregate classification (germline): Uncertain significance. Review status: criteria provided, multiple submitters, no conflicts (2 of 4 stars). 2 submissions from 2 submitters: Uncertain significance (2). Last evaluated 2025-09-22.

Conditions:
Inborn genetic diseases. Identifiers: MedGen C0950123, MeSH D030342.
Fibrous dysplasia of jaw (CRBM). Also called: Cherubism. Identifiers: Orphanet 184, MedGen C0008029, MONDO:0007315, OMIM 118400.

gnomAD v4.1: 12 of 1,593,344 alleles (0.00075%); highest among the groups gnomAD compares: Non-Finnish European, 0.001%; no homozygotes.

Submissions (2):

Ambry Genetics
Classification: Uncertain significance for Inborn genetic diseases. Last evaluated: 2025-09-22. Review status: criteria provided, single submitter. Criteria: Ambry Variant Classification Scheme 2023. Collection method: clinical testing. Allele origin: germline.

Labcorp Genetics (formerly Invitae), Labcorp
Classification: Uncertain significance for Fibrous dysplasia of jaw. Last evaluated: 2025-08-19. Review status: criteria provided, single submitter. Criteria: Invitae Variant Classification Sherloc (09022015). Collection method: clinical testing. Allele origin: germline.
Comment: This sequence change replaces proline, which is neutral and non-polar, with arginine, which is basic and polar, at codon 191 of the SH3BP2 protein (p.Pro191Arg). The frequency data for this variant in the population databases is considered unreliable, as metrics indicate poor data quality at this position in the gnomAD database. This variant has not been reported in the literature in individuals affected with SH3BP2-related conditions. ClinVar contains an entry for this variant (Variation ID: 3710672). Invitae Evidence Modeling of protein sequence and biophysical properties (such as structural, functional, and spatial information, amino acid conservation, physicochemical variation, residue mobility, and thermodynamic stability) indicates that this missense variant is not expected to disrupt SH3BP2 protein function with a negative predictive value of 80%. In summary, the available evidence is currently insufficient to determine the role of this variant in disease. Therefore, it has been classified as a Variant of Uncertain Significance.

NM_001122681.2(SH3BP2):c.572C>G (p.Pro191Arg)

Gene: SH3BP2 (SH3 domain binding protein 2; plus strand). Cytogenetic location: 4p16.3.
Variant type: single nucleotide variant.
Coding change: c.572C>G on transcript NM_001122681.2 (MANE Select); coding-DNA position 572, C replaced by G.
Protein change: p.Pro191Arg; replaces proline 191 with arginine.
Molecular consequence: missense variant.
Genome position (GRCh38, 1-based): chr4:2,827,660, C>G. VCF-style: chr4-2827660-C-G. GRCh37 (hg19) VCF-style: chr4-2829387-C-G.
Other names: c.656C>G, p.Pro219Arg (NM_001145855.2); c.743C>G, p.Pro248Arg (NM_001145856.2); c.572C>G, p.Pro191Arg (NM_003023.4); short protein forms P248R, P191R, P219R.
Identifiers: ClinVar variation 3710672 (VCV003710672.3).